The following is an entry in ClinVar:

ClinVar aggregate classification (germline): Uncertain significance. Review status: criteria provided, multiple submitters, no conflicts (2 of 4 stars). 3 submissions from 3 submitters: Uncertain significance (3). Last evaluated 2025-05-17.

Conditions:
Autosomal recessive distal spinal muscular atrophy 2. Also called: NEURONOPATHY, DISTAL HEREDITARY MOTOR, JERASH TYPE; NEUROPATHY, DISTAL HEREDITARY MOTOR, JERASH TYPE; SPINAL MUSCULAR ATROPHY, JERASH TYPE; NEUROPATHY, DISTAL HEREDITARY MOTOR, AUTOSOMAL RECESSIVE 2; Hereditary motor neuropathy, Jerash type; Motor neuropathy, distal, Jerash type. Identifiers: Orphanet 139552, MedGen C1854023, MONDO:0011585, OMIM 605726.
Amyotrophic lateral sclerosis type 16. Also called: AMYOTROPHIC LATERAL SCLEROSIS 16, JUVENILE. Identifiers: Orphanet 300605, MedGen C3280587, MONDO:0013715, OMIM 614373.

Allele frequency attached by ClinVar (database versions not stated): TOPMed 0.00004.
gnomAD v4.1: 76 of 1,599,754 alleles (0.0048%); highest among the groups gnomAD compares: Non-Finnish European, 0.0063%; no homozygotes.

Submissions (3):

GeneDx
Classification: Uncertain significance. Last evaluated: 2025-05-17. Review status: criteria provided, single submitter. Criteria: GeneDx Variant Classification Process June 2021. Collection method: clinical testing. Allele origin: germline. Affected: yes.
Comment: Not observed at significant frequency in large population cohorts (gnomAD); In silico analysis supports that this missense variant has a deleterious effect on protein structure/function; Has not been previously published as pathogenic or benign to our knowledge

Women's Health and Genetics/Laboratory Corporation of America, LabCorp
Classification: Uncertain significance. Last evaluated: 2024-12-03. Review status: criteria provided, single submitter. Criteria: LabCorp Variant Classification Summary - May 2015. Collection method: clinical testing. Allele origin: germline.
Comment: Variant summary: SIGMAR1 c.259G>C (p.Gly87Arg) results in a non-conservative amino acid change in the encoded protein sequence. Five of five in-silico tools predict a damaging effect of the variant on protein function. The variant allele was found at a frequency of 4.4e-06 in 227338 control chromosomes (gnomAD). The available data on variant occurrences in the general population are insufficient to allow any conclusion about variant significance. To our knowledge, no occurrence of c.259G>C in individuals affected with Autosomal recessive distal spinal muscular atrophy 2 and no experimental evidence demonstrating its impact on protein function have been reported. The following publication have been ascertained in the context of this evaluation (PMID: 31324122). ClinVar contains an entry for this variant (Variation ID: 933691). Based on the evidence outlined above, the variant was classified as uncertain significance.

Labcorp Genetics (formerly Invitae), Labcorp
Classification: Uncertain significance for Autosomal recessive distal spinal muscular atrophy 2; Amyotrophic lateral sclerosis type 16. Last evaluated: 2022-07-30. Review status: criteria provided, single submitter. Criteria: Invitae Variant Classification Sherloc (09022015). Collection method: clinical testing. Allele origin: germline.
Comment: This sequence change replaces glycine, which is neutral and non-polar, with arginine, which is basic and polar, at codon 87 of the SIGMAR1 protein (p.Gly87Arg). This variant is present in population databases (rs768933234, gnomAD 0.004%). This variant has not been reported in the literature in individuals affected with SIGMAR1-related conditions. ClinVar contains an entry for this variant (Variation ID: 933691). Algorithms developed to predict the effect of missense changes on protein structure and function (SIFT, PolyPhen-2, Align-GVGD) all suggest that this variant is likely to be disruptive. In summary, the available evidence is currently insufficient to determine the role of this variant in disease. Therefore, it has been classified as a Variant of Uncertain Significance.

Literature cited by the submitters: PubMed 31324122 (cited by Women's Health and Genetics/Laboratory Corporation of America, LabCorp).

NM_005866.4(SIGMAR1):c.259G>C (p.Gly87Arg)

Gene: SIGMAR1 (sigma receptor chaperone 1; minus strand). Cytogenetic location: 9p13.3.
Variant type: single nucleotide variant.
Coding change: c.259G>C on transcript NM_005866.4 (MANE Select); coding-DNA position 259, G replaced by C.
Protein change: p.Gly87Arg; replaces glycine 87 with arginine.
Molecular consequence: missense variant. On other transcripts: synonymous variant (1).
Genome position (GRCh38, 1-based): chr9:34,637,313, C>G on the plus strand (G>C on the coding strand, the complement: SIGMAR1 is on the minus strand). VCF-style: chr9-34637313-C-G. GRCh37 (hg19) VCF-style: chr9-34637310-C-G.
Other names: c.259G>C, p.Gly87Arg (NM_001282205.2, NM_001282208.2, NM_001282209.2 and 1 more transcripts); c.6G>C, p.Arg2= (NM_001282206.2); c.199G>C, p.Gly67Arg (NM_001282207.2); short protein forms G87R, G67R.
Identifiers: ClinVar variation 933691 (VCV000933691.9), dbSNP rs768933234, ClinGen allele CA5035913.